The following is an entry in ClinVar:

NM_004960.4(FUS):c.66G>T (p.Gly22=)

Gene: FUS (FUS RNA binding protein; plus strand). Cytogenetic location: 16p11.2.
Variant type: single nucleotide variant.
Coding change: c.66G>T on transcript NM_004960.4 (MANE Select); coding-DNA position 66, G replaced by T.
Protein change: p.Gly22=; no amino-acid change (glycine 22 retained).
Molecular consequence: synonymous variant. On other transcripts: non-coding transcript variant (1).
Genome position (GRCh38, 1-based): chr16:31,182,540, G>T. VCF-style: chr16-31182540-G-T. GRCh37 (hg19) VCF-style: chr16-31193861-G-T.
Other names: c.66G>T, p.Gly22= (NM_001170634.1, NM_001170937.1).
Identifiers: ClinVar variation 5001336 (VCV005001336.1).

ClinVar aggregate classification (germline): Likely benign (1 of 4 stars; one submission).

Conditions:
FUS-related disorder. Also called: FUS-related condition.

Submission:

PreventionGenetics, part of Exact Sciences
Classification: Likely benign for FUS-related condition. Last evaluated: 2025-06-11. Review status: criteria provided, single submitter. Criteria: ACMG Guidelines, 2015. Collection method: clinical testing. Allele origin: germline.
Comment: This variant is classified as likely benign based on ACMG/AMP sequence variant interpretation guidelines (Richards et al. 2015 PMID: 25741868, with internal and published modifications).